The following is an entry in ClinVar:

ClinVar aggregate classification (germline): Benign. Review status: criteria provided, single submitter (1 of 4 stars). 2 submissions from 2 submitters: Benign (1). 1 of the submissions does not count toward it. Last evaluated 2025-12-20.

Conditions:
LAS1L-related disorder. Also called: LAS1L-related condition.
Wilson-Turner syndrome (WTS). Also called: MENTAL RETARDATION, X-LINKED, SYNDROMIC 6; INTELLECTUAL DEVELOPMENTAL DISORDER, X-LINKED, SYNDROMIC, WILSON-TURNER TYPE. Identifiers: Orphanet 3459, MedGen C1839736, MONDO:0010665, OMIM 309585.

Submissions (2):

Labcorp Genetics (formerly Invitae), Labcorp
Classification: Benign for Wilson-Turner syndrome. Last evaluated: 2025-12-20. Review status: criteria provided, single submitter. Criteria: Invitae Variant Classification Sherloc (09022015). Collection method: clinical testing. Allele origin: germline.

PreventionGenetics, part of Exact Sciences
Classification: Benign for LAS1L-related condition. Last evaluated: 2023-12-15. Review status: no assertion criteria provided. Collection method: clinical testing. Allele origin: germline. Not counted in ClinVar's aggregate classification.
Comment: This variant is classified as benign based on ACMG/AMP sequence variant interpretation guidelines (Richards et al. 2015 PMID: 25741868, with internal and published modifications).

NM_031206.7(LAS1L):c.1788TGA[1] (p.Asp597del)

Gene: LAS1L (LAS1 like ribosome biogenesis factor; minus strand). Cytogenetic location: Xq12.
Variant type: Microsatellite.
Coding change: c.1788TGA[1] on transcript NM_031206.7 (MANE Select); one copy of the 3-base unit TGA starting at c.1788; the reference has two copies in a row; one copy, 3 bases deleted.
Protein change: p.Asp597del; deletes aspartic acid 597.
Molecular consequence: inframe deletion. On other transcripts: non-coding transcript variant (1).
Genome position (GRCh38, 1-based): chrX:65,518,121-65,518,123, TCA deleted on the plus strand (TGA on the coding strand, the reverse complement: LAS1L is on the minus strand); deleting any 3 consecutive bases within chrX:65,518,121-65,518,128 gives the same sequence; the position shown is the placement nearest the transcript's 3' end. VCF-style (leftmost placement, unchanged base first): chrX-65518120-TTCA-T. GRCh37 (hg19) VCF-style: chrX-64738000-TTCA-T.
Other names: c.1737TGA[1], p.Asp580del (NM_001170649.2, NM_001375333.1); c.1611TGA[1], p.Asp538del (NM_001170650.2); c.1788TGA[1], p.Asp597del (NM_001375328.1); c.831TGA[1], p.Asp278del (NM_001375332.1); c.1791_1793delTGA (NM_031206.4); short protein forms D597del, D580del, D538del, D278del.
Identifiers: ClinVar variation 533410 (VCV000533410.14), dbSNP rs750470319, ClinGen allele CA10433877.
Genomic context (GRCh38, chrX:65,518,120, plus strand): 5'-GGGGGACTCTTGCCCTGTAGAGAAAGGCCCCACCTCCATTCTGTCTTCCTCTTCATCATC[TTCA>T]TCATCTTCATCCTCCTCTTCCTCCTCTTGGTCATCATTTTCTTCCTCCTCCTCTACCTGG-3'